The following is an entry in ClinVar:

NM_021120.4(DLG3):c.839C>T (p.Ala280Val)

Gene: DLG3 (discs large MAGUK scaffold protein 3; plus strand). Cytogenetic location: Xq13.1.
Variant type: single nucleotide variant.
Coding change: c.839C>T on transcript NM_021120.4 (MANE Select); coding-DNA position 839, C replaced by T.
Protein change: p.Ala280Val; replaces alanine 280 with valine.
Molecular consequence: missense variant.
Genome position (GRCh38, 1-based): chrX:70,450,304, C>T. VCF-style: chrX-70450304-C-T. GRCh37 (hg19) VCF-style: chrX-69670154-C-T.
Other names: short protein forms A280V.
Identifiers: ClinVar variation 4540064 (VCV004540064.1).

ClinVar aggregate classification (germline): Uncertain significance (1 of 4 stars; one submission).

Submission:

GeneDx
Classification: Uncertain significance. Last evaluated: 2025-06-18. Review status: criteria provided, single submitter. Criteria: GeneDx Variant Classification Process June 2021. Collection method: clinical testing. Allele origin: germline. Affected: yes.
Comment: Not observed at significant frequency in large population cohorts (gnomAD); In silico analysis suggests that this missense variant does not alter protein structure/function; Has not been previously published as pathogenic or benign to our knowledge